The following is an entry in ClinVar:

NM_000059.4(BRCA2):c.5317G>C (p.Glu1773Gln)

Gene: BRCA2 (BRCA2 DNA repair associated; plus strand). Cytogenetic location: 13q13.1.
Variant type: single nucleotide variant.
Coding change: c.5317G>C on transcript NM_000059.4 (MANE Select); coding-DNA position 5317, G replaced by C.
Protein change: p.Glu1773Gln; replaces glutamic acid 1773 with glutamine.
Molecular consequence: missense variant.
Genome position (GRCh38, 1-based): chr13:32,339,672, G>C. VCF-style: chr13-32339672-G-C. GRCh37 (hg19) VCF-style: chr13-32913809-G-C.
Other names: short protein forms E1773Q.
Identifiers: ClinVar variation 628113 (VCV000628113.13), dbSNP rs1566232201, ClinGen allele CA387784883.

ClinVar aggregate classification (germline): Conflicting classifications of pathogenicity. Review status: criteria provided, conflicting classifications (1 of 4 stars). 5 submissions from 5 submitters: Uncertain significance (4); Likely benign (1). Last evaluated 2024-02-23.

Conditions:
Hereditary breast ovarian cancer syndrome. Also called: Hereditary breast and ovarian cancer; Hereditary breast and ovarian cancer syndrome (HBOC); Hereditary breast and/or ovarian cancer syndrome; Hereditary breast and ovarian cancer syndrome; Breast and ovarian cancer; BRCA1- and BRCA2-Associated Hereditary Breast and Ovarian Cancer. Identifiers: Orphanet 145, MedGen C0677776, MeSH D061325, MONDO:0003582. Disease mechanism: loss of function.
Breast-ovarian cancer, familial, susceptibility to, 2 (BROVCA2). Also called: BRCA2 Hereditary Breast and Ovarian Cancer. Identifiers: Orphanet 145, MedGen C2675520, MONDO:0012933, OMIM 612555. Disease mechanism: loss of function.
Hereditary cancer-predisposing syndrome. Also called: Tumor predisposition; Neoplastic Syndromes, Hereditary; Hereditary Cancer Syndrome; Hereditary neoplastic syndrome. Identifiers: Orphanet 140162, MedGen C0027672, MeSH D009386, MONDO:0015356.

Allele frequency attached by ClinVar (database versions not stated): gnomAD exomes below 0.00001.

Submissions (5):

Labcorp Genetics (formerly Invitae), Labcorp
Classification: Uncertain significance for Hereditary breast ovarian cancer syndrome. Last evaluated: 2024-02-23. Review status: criteria provided, single submitter. Criteria: Invitae Variant Classification Sherloc (09022015). Collection method: clinical testing. Allele origin: germline.
Comment: This sequence change replaces glutamic acid, which is acidic and polar, with glutamine, which is neutral and polar, at codon 1773 of the BRCA2 protein (p.Glu1773Gln). This variant is not present in population databases (gnomAD no frequency). This missense change has been observed in individual(s) with clinical features of BRCA2-related conditions (PMID: 29176636, 30287823). ClinVar contains an entry for this variant (Variation ID: 628113). Advanced modeling of protein sequence and biophysical properties (such as structural, functional, and spatial information, amino acid conservation, physicochemical variation, residue mobility, and thermodynamic stability) performed at Invitae indicates that this missense variant is not expected to disrupt BRCA2 protein function with a negative predictive value of 95%. In summary, the available evidence is currently insufficient to determine the role of this variant in disease. Therefore, it has been classified as a Variant of Uncertain Significance.

Ambry Genetics
Classification: Uncertain significance for Hereditary cancer-predisposing syndrome. Last evaluated: 2023-06-01. Review status: criteria provided, single submitter. Criteria: Ambry Variant Classification Scheme 2023. Collection method: clinical testing. Allele origin: germline.
Comment: The p.E1773Q variant (also known as c.5317G>C), located in coding exon 10 of the BRCA2 gene, results from a G to C substitution at nucleotide position 5317. The glutamic acid at codon 1773 is replaced by glutamine, an amino acid with highly similar properties. This variant was reported in a population of Japanese individuals undergoing BRCA1/2 genetic testing and was classified as a variant of unknown significance (Arai M et al. J Hum Genet 2018 Apr;63(4):447-457). While this alteration was not observed in unselected male breast cancer or prostate cancer cohorts, it was observed in 1/12,490 and 1/12366 male control groups, respectively (Momozawa Y et al. Nat Commun, 2018 Oct;9:4083; Momozawa Y et al. J Natl Cancer Inst, 2020 Apr;112:369-376). This amino acid position is not well conserved in available vertebrate species. In addition, this alteration is predicted to be tolerated by in silico analysis. Since supporting evidence is limited at this time, the clinical significance of this alteration remains unclear.

All of Us Research Program, National Institutes of Health
Classification: Uncertain significance for Breast-ovarian cancer, familial, susceptibility to, 2. Last evaluated: 2023-03-23. Review status: criteria provided, single submitter. Criteria: ACMG Guidelines, 2015. Collection method: clinical testing. Allele origin: germline. Inheritance: Autosomal dominant inheritance. Observed: 1 variant allele, 1 heterozygote.
Comment: This missense variant replaces glutamic acid with glutamine at codon 1773 of the BRCA2 protein. Computational prediction suggests that this variant may not impact protein structure and function (internally defined REVEL score threshold <= 0.5, PMID: 27666373). To our knowledge, functional studies have not been reported for this variant. This variant has not been reported in individuals affected with BRCA2-related disorders in the literature. This variant has not been identified in the general population by the Genome Aggregation Database (gnomAD). The available evidence is insufficient to determine the role of this variant in disease conclusively. Therefore, this variant is classified as a Variant of Uncertain Significance.

This study involves interpretation of variants in research participants for the purpose of population health screening. Participant phenotype was not available at the time of variant classification. Additional details can be found in publication PMID: 35346344, PMCID: PMC8962531

University of Washington Department of Laboratory Medicine, University of Washington
Classification: Likely benign for Hereditary cancer-predisposing syndrome. Last evaluated: 2023-03-23. Review status: criteria provided, single submitter. Criteria: Dines et al. (Genet Med. 2020). Collection method: curation. Allele origin: germline.
Comment: Missense variant in a coldspot region where missense variants are very unlikely to be pathogenic (PMID:31911673).

BRCA2 exon 11 coldspot. Reclassification based on statistical prior probability.

Color Diagnostics, LLC DBA Color Health
Classification: Uncertain significance for Hereditary cancer-predisposing syndrome. Last evaluated: 2023-03-08. Review status: criteria provided, single submitter. Criteria: ACMG Guidelines, 2015. Collection method: clinical testing. Allele origin: germline.
Comment: This missense variant replaces glutamic acid with glutamine at codon 1773 of the BRCA2 protein. Computational prediction suggests that this variant may not impact protein structure and function (internally defined REVEL score threshold <= 0.5, PMID: 27666373). To our knowledge, functional studies have not been reported for this variant. This variant has not been reported in individuals affected with BRCA2-related disorders in the literature. This variant has not been identified in the general population by the Genome Aggregation Database (gnomAD). The available evidence is insufficient to determine the role of this variant in disease conclusively. Therefore, this variant is classified as a Variant of Uncertain Significance.

Literature cited by the submitters: PubMed 29176636 (cited by Labcorp Genetics (formerly Invitae), Labcorp and Ambry Genetics); PubMed 30287823 (cited by Labcorp Genetics (formerly Invitae), Labcorp and Ambry Genetics); PubMed 31214711 (cited by Ambry Genetics).